The following is an entry in ClinVar:

ClinVar aggregate classification (germline): Likely pathogenic (1 of 4 stars; one submission).

Conditions:
Hereditary cancer-predisposing syndrome. Also called: Neoplastic Syndromes, Hereditary; Tumor predisposition; Hereditary Cancer Syndrome; Hereditary neoplastic syndrome. Identifiers: Orphanet 140162, MedGen C0027672, MeSH D009386, MONDO:0015356.

Submission:

Ambry Genetics
Classification: Likely pathogenic for Hereditary cancer-predisposing syndrome. Last evaluated: 2020-11-06. Review status: criteria provided, single submitter. Criteria: Ambry Variant Classification Scheme 2023. Collection method: clinical testing. Allele origin: germline.
Comment: The c.2196G>C variant (also known as p.R732R), located in coding exon 14 of the CDH1 gene, results from a G to C substitution at nucleotide position 2196. This nucleotide substitution does not change the amino acid at codon 732. This nucleotide position is well conserved in available vertebrate species. In silico splice site analysis predicts that this alteration will weaken the native splice acceptor site and will result in the creation or strengthening of a novel splice acceptor site. RNA studies have demonstrated that this alteration results in abnormal splicing in the set of samples tested (Ambry internal data). Based on the majority of available evidence to date, this variant is likely to be pathogenic.

NM_004360.5(CDH1):c.2196G>C (p.Arg732=)

Gene: CDH1 (cadherin 1; plus strand). Cytogenetic location: 16q22.1.
Variant type: single nucleotide variant.
Coding change: c.2196G>C on transcript NM_004360.5 (MANE Select); coding-DNA position 2196, G replaced by C.
Protein change: p.Arg732=; no amino-acid change (arginine 732 retained).
Molecular consequence: synonymous variant.
Genome position (GRCh38, 1-based): chr16:68,828,205, G>C. VCF-style: chr16-68828205-G-C. GRCh37 (hg19) VCF-style: chr16-68862108-G-C.
Other names: c.2013G>C, p.Arg671= (NM_001317184.2); c.648G>C, p.Arg216= (NM_001317185.2); c.231G>C, p.Arg77= (NM_001317186.2).
Identifiers: ClinVar variation 1787489 (VCV001787489.2), dbSNP rs2152141412, ClinGen allele CA496157139.